The following is an entry in ClinVar:

ClinVar aggregate classification (germline): Conflicting classifications of pathogenicity. Review status: criteria provided, conflicting classifications (1 of 4 stars). 7 submissions from 7 submitters: Uncertain significance (4); Likely benign (3). Last evaluated 2026-02-01.

Conditions:
DNAH8-related disorder. Also called: DNAH8-related condition.
Primary ciliary dyskinesia. Also called: Ciliary dyskinesia. Identifiers: Orphanet 244, MedGen C0008780, MONDO:0016575, HP:0012265.

Allele frequency attached by ClinVar (database versions not stated): 1000 Genomes Project 30x 0.00016; TOPMed 0.00078; ESP Exome Variant Server 0.00100.
gnomAD v4.1: 1,980 of 1,614,136 alleles (0.12%); highest among the groups gnomAD compares: Non-Finnish European, 0.15%; 3 homozygotes.

Submissions (7):

Labcorp Genetics (formerly Invitae), Labcorp
Classification: Likely benign for Primary ciliary dyskinesia. Last evaluated: 2026-02-01. Review status: criteria provided, single submitter. Criteria: Invitae Variant Classification Sherloc (09022015). Collection method: clinical testing. Allele origin: germline.

PreventionGenetics, part of Exact Sciences
Classification: Likely benign for DNAH8-related condition. Last evaluated: 2025-12-30. Review status: criteria provided, single submitter. Criteria: ACMG Guidelines, 2015. Collection method: clinical testing. Allele origin: germline.
Comment: This variant is classified as likely benign based on ACMG/AMP sequence variant interpretation guidelines (Richards et al. 2015 PMID: 25741868, with internal and published modifications).

Blueprint Genetics
Classification: Likely benign. Last evaluated: 2024-09-17. Review status: criteria provided, single submitter. Criteria: ACMG Guidelines, 2015. Collection method: clinical testing. Allele origin: germline.

CeGaT Center for Human Genetics Tuebingen
Classification: Uncertain significance. Last evaluated: 2021-12-01. Review status: criteria provided, single submitter. Criteria: CeGaT Center For Human Genetics Tuebingen Variant Classification Criteria Version 2. Collection method: clinical testing. Allele origin: germline. Affected: yes. Observed: 1 variant allele.

Ambry Genetics
Classification: Uncertain significance. Last evaluated: 2021-08-16. Review status: criteria provided, single submitter. Criteria: Ambry Variant Classification Scheme 2023. Collection method: clinical testing. Allele origin: germline.

UNC Molecular Genetics  Laboratory, University of North Carolina at Chapel Hill
Classification: Uncertain significance for Primary ciliary dyskinesia. Last evaluated: 2018-11-08. Review status: criteria provided, single submitter. Criteria: ACMG Guidelines, 2015. Collection method: clinical testing. Allele origin: germline. Observed: 1 heterozygote.

Fulgent Genetics
Classification: Uncertain significance for Ciliary dyskinesia. Last evaluated: 2018-10-31. Review status: criteria provided, single submitter. Criteria: ACMG Guidelines, 2015. Collection method: clinical testing. Allele origin: unknown.

NM_001206927.2(DNAH8):c.12100C>T (p.Leu4034Phe)

Genes: DNAH8 (dynein axonemal heavy chain 8; plus strand), DNAH8-AS1 (DNAH8 antisense RNA 1; minus strand). Cytogenetic location: 6p21.2.
Variant type: single nucleotide variant.
Coding change: c.12100C>T on transcript NM_001206927.2 (MANE Select); coding-DNA position 12100, C replaced by T.
Protein change: p.Leu4034Phe; replaces leucine 4034 with phenylalanine.
Molecular consequence: missense variant.
Genome position (GRCh38, 1-based): chr6:38,945,559, C>T. VCF-style: chr6-38945559-C-T. GRCh37 (hg19) VCF-style: chr6-38913335-C-T.
Other names: c.11449C>T, p.Leu3817Phe (NM_001371.4); short protein forms L4034F, L3817F.
Identifiers: ClinVar variation 525268 (VCV000525268.53), dbSNP rs146505940, ClinGen allele CA3791260.